The following is an entry in ClinVar:

NM_001048174.2(MUTYH):c.1222dup (p.Leu408fs)

Gene: MUTYH (mutY DNA glycosylase; minus strand). Cytogenetic location: 1p34.1.
Variant type: Duplication.
Coding change: c.1222dup on transcript NM_001048174.2 (MANE Select); coding-DNA position 1222, one base duplicated (C; older notation c.1222dupC).
Protein change: p.Leu408fs; shifts the reading frame from leucine 408.
Molecular consequence: frameshift variant. On other transcripts: non-coding transcript variant (7).
Genome position (GRCh38, 1-based): chr1:45,331,437, G duplicated on the plus strand (C on the coding strand, the reverse complement: MUTYH is on the minus strand); the first of 2 consecutive G bases (chr1:45,331,437-45,331,438); duplicating either gives the same sequence. VCF-style (leftmost placement, unchanged base first): chr1-45331436-A-AG. GRCh37 (hg19) VCF-style: chr1-45797108-A-AG.
Other names: c.877dup, p.Leu293fs (NM_001407082.1, NM_001350650.2, NM_001350651.2); c.1264dup, p.Leu422fs (NM_001407083.1, NM_001407085.1); c.1225dup, p.Leu409fs (NM_001407086.1, NM_001048172.2, NM_001407071.1 and 1 more transcripts); c.1243dup, p.Leu415fs (NM_001407087.1); c.1222dup, p.Leu408fs (NM_001407088.1, NM_001407089.1, NM_001407081.1 and 6 more transcripts); c.946dup, p.Leu316fs (NM_001407091.1, NM_001293192.2, NM_001293196.2); c.1297dup, p.Leu433fs (NM_012222.3); c.1180dup, p.Leu394fs (NM_001407080.1); and 5 more; short protein forms L395fs, L419fs, L408fs, L415fs, L293fs, L380fs, L394fs, L409fs.
Identifiers: ClinVar variation 3660734 (VCV003660734.2).

ClinVar aggregate classification (germline): Likely pathogenic (1 of 4 stars; one submission).

Conditions:
Familial adenomatous polyposis 2. Also called: FAP type 2; COLORECTAL ADENOMATOUS POLYPOSIS, AUTOSOMAL RECESSIVE; ADENOMAS, MULTIPLE COLORECTAL, AUTOSOMAL RECESSIVE; MYH-associated polyposis; Adenomas, multiple colorectal; MUTYH-associated polyposis. Identifiers: Orphanet 220460, Orphanet 247798, MedGen C3272841, MONDO:0012041, OMIM 608456.

Submission:

Labcorp Genetics (formerly Invitae), Labcorp
Classification: Likely pathogenic for Familial adenomatous polyposis 2. Last evaluated: 2024-07-28. Review status: criteria provided, single submitter. Criteria: Invitae Variant Classification Sherloc (09022015). Collection method: clinical testing. Allele origin: germline.
Comment: This sequence change creates a premature translational stop signal (p.Leu436Profs*96) in the MUTYH gene. While this is not anticipated to result in nonsense mediated decay, it is expected to disrupt the last 114 amino acid(s) of the MUTYH protein. This variant is not present in population databases (gnomAD no frequency). This variant has not been reported in the literature in individuals affected with MUTYH-related conditions. This variant disrupts the conserved PCNA binding motif of the MUTYH protein, which has been shown to be critical for MUTYH-PCNA binding and repair efficiency (PMID: 11092888, 26377631, 11433026, 11864576). While functional studies have not been performed to directly test the effect of this variant on MUTYH protein function, this suggests that disruption of this region of the protein is causative of disease. In summary, the currently available evidence indicates that the variant is pathogenic, but additional data are needed to prove that conclusively. Therefore, this variant has been classified as Likely Pathogenic.

Literature cited by the submitters: PubMed 11092888; PubMed 26377631; PubMed 11433026; PubMed 11864576.